The following is an entry in ClinVar:

ClinVar aggregate classification (germline): Likely benign (0 of 4 stars; one submission).

Conditions:
REST-related disorder. Also called: REST-related condition.

Submission:

PreventionGenetics, part of Exact Sciences
Classification: Likely benign for REST-related condition. Last evaluated: 2022-01-10. Review status: no assertion criteria provided. Collection method: clinical testing. Allele origin: germline.
Comment: This variant is classified as likely benign based on ACMG/AMP sequence variant interpretation guidelines (Richards et al. 2015 PMID: 25741868, with internal and published modifications).

NM_005612.5(REST):c.2532T>C (p.Pro844=)

Gene: REST (RE1 silencing transcription factor; plus strand). Cytogenetic location: 4q12.
Variant type: single nucleotide variant.
Coding change: c.2532T>C on transcript NM_005612.5 (MANE Select); coding-DNA position 2532, T replaced by C.
Protein change: p.Pro844=; no amino-acid change (proline 844 retained).
Molecular consequence: synonymous variant.
Genome position (GRCh38, 1-based): chr4:56,931,390, T>C. VCF-style: chr4-56931390-T-C. GRCh37 (hg19) VCF-style: chr4-57797556-T-C.
Other names: c.2532T>C, p.Pro844= (NM_001193508.2, NM_001363453.3).
Identifiers: ClinVar variation 3060915 (VCV003060915.2), dbSNP rs2475853415, ClinGen allele CA439636919.